The following is an entry in ClinVar:

NM_001374353.1(GLI2):c.677G>A (p.Arg226His)

Gene: GLI2 (GLI family zinc finger 2; plus strand). Cytogenetic location: 2q14.2.
Variant type: single nucleotide variant.
Coding change: c.677G>A on transcript NM_001374353.1 (MANE Select); coding-DNA position 677, G replaced by A.
Protein change: p.Arg226His; replaces arginine 226 with histidine.
Molecular consequence: missense variant.
Genome position (GRCh38, 1-based): chr2:120,968,747, G>A. VCF-style: chr2-120968747-G-A. GRCh37 (hg19) VCF-style: chr2-121726323-G-A.
Other names: c.677G>A, p.Arg226His (NM_001371271.1, NM_005270.5); c.302G>A, p.Arg101His (NM_001374354.1); short protein forms R226H, R101H.
Identifiers: ClinVar variation 665586 (VCV000665586.14), dbSNP rs766283583, ClinGen allele CA1851632.

ClinVar aggregate classification (germline): Uncertain significance. Review status: criteria provided, multiple submitters, no conflicts (2 of 4 stars). 3 submissions from 3 submitters: Uncertain significance (2). 1 of the submissions does not count toward it. Last evaluated 2025-08-11.

Conditions:
Holoprosencephaly 9 (HPE9). Also called: HOLOPROSENCEPHALY WITH MICROPHTHALMIA AND FIRST BRANCHIAL ARCH ANOMALIES; PITUITARY ANOMALIES WITH HOLOPROSENCEPHALY-LIKE FEATURES. Identifiers: Orphanet 2162, MedGen C1835819, MONDO:0012563, OMIM 610829.
Postaxial polydactyly-anterior pituitary anomalies-facial dysmorphism syndrome. Also called: Culler-Jones syndrome. Identifiers: Orphanet 420584, MedGen C4014479, MONDO:0014369, OMIM 615849.
GLI2-related disorder. Also called: GLI2-related condition; GLI2-related disorders.

Allele frequency attached by ClinVar (database versions not stated): gnomAD 0.00003; TOPMed 0.00002; gnomAD exomes 0.00003; ExAC 0.00004.
gnomAD v4.1: 43 of 1,611,254 alleles (0.0027%); highest among the groups gnomAD compares: Non-Finnish European, 0.0033%; no homozygotes.

Submissions (3):

Labcorp Genetics (formerly Invitae), Labcorp
Classification: Uncertain significance for Postaxial polydactyly-anterior pituitary anomalies-facial dysmorphism syndrome; Holoprosencephaly 9. Last evaluated: 2025-08-11. Review status: criteria provided, single submitter. Criteria: Invitae Variant Classification Sherloc (09022015). Collection method: clinical testing. Allele origin: germline.
Comment: This sequence change replaces arginine, which is basic and polar, with histidine, which is basic and polar, at codon 226 of the GLI2 protein (p.Arg226His). This variant is present in population databases (rs766283583, gnomAD 0.006%). This missense change has been observed in individual(s) with holoprosencephaly (HPE) (PMID: 21416594). ClinVar contains an entry for this variant (Variation ID: 665586). Invitae Evidence Modeling of protein sequence and biophysical properties (such as structural, functional, and spatial information, amino acid conservation, physicochemical variation, residue mobility, and thermodynamic stability) indicates that this missense variant is expected to disrupt GLI2 protein function with a positive predictive value of 80%. In summary, the available evidence is currently insufficient to determine the role of this variant in disease. Therefore, it has been classified as a Variant of Uncertain Significance.

Illumina Laboratory Services, Illumina
Classification: Uncertain significance for Holoprosencephaly 9. Last evaluated: 2017-04-28. Review status: criteria provided, single submitter. Criteria: ICSL Variant Classification Criteria 13 December 2019. Collection method: clinical testing. Allele origin: germline.
Comment: This variant was observed as part of a predisposition screen in an ostensibly healthy population. A literature search was performed for the gene, cDNA change, and amino acid change (where applicable). Publications were found based on this search. However, the evidence from the literature, in combination with allele frequency data from public databases where available, was not sufficient to rule this variant in or out of causing disease. Therefore, this variant is classified as a variant of unknown significance.

PreventionGenetics, part of Exact Sciences
Classification: Uncertain significance for GLI2-related condition. Last evaluated: 2023-12-13. Review status: no assertion criteria provided. Collection method: clinical testing. Allele origin: germline. Not counted in ClinVar's aggregate classification.
Comment: The GLI2 c.677G>A variant is predicted to result in the amino acid substitution p.Arg226His. This variant has been reported along with a variant in ZIC2 in an individual with holoprosencephaly; However, the mother and sibling of this individual also harbored both the GLI2 and ZIC2 variants and had no evidence of holoprosencephaly (Wannasilp et al. 2011. PubMed ID: 21416594). It has been classified as likely benign in a variant interpretation study (Table 2, Corder et al. 2021. PubMed ID: 34921505). This variant is reported in 0.0062% of alleles in individuals of European (Non-Finnish) descent in gnomAD. At this time, the clinical significance of this variant is uncertain due to the absence of conclusive functional and genetic evidence.

Literature cited by the submitters: PubMed 21416594 (cited by Labcorp Genetics (formerly Invitae), Labcorp and Illumina Laboratory Services, Illumina).